The following is an entry in ClinVar:

ClinVar aggregate classification (germline): Uncertain significance (1 of 4 stars; one submission).

Allele frequency attached by ClinVar (database versions not stated): TOPMed 0.00001.
gnomAD v4.1: 6 of 1,613,710 alleles (0.00037%); highest among the groups gnomAD compares: East Asian, 0.0022%; no homozygotes.

Submission:

Labcorp Genetics (formerly Invitae), Labcorp
Classification: Uncertain significance. Last evaluated: 2023-10-13. Review status: criteria provided, single submitter. Criteria: Invitae Variant Classification Sherloc (09022015). Collection method: clinical testing. Allele origin: germline.
Comment: This sequence change replaces valine, which is neutral and non-polar, with methionine, which is neutral and non-polar, at codon 116 of the DUOX2 protein (p.Val116Met). This variant is not present in population databases (gnomAD no frequency). This variant has not been reported in the literature in individuals affected with DUOX2-related conditions. Advanced modeling of protein sequence and biophysical properties (such as structural, functional, and spatial information, amino acid conservation, physicochemical variation, residue mobility, and thermodynamic stability) performed at Invitae indicates that this missense variant is not expected to disrupt DUOX2 protein function. In summary, the available evidence is currently insufficient to determine the role of this variant in disease. Therefore, it has been classified as a Variant of Uncertain Significance.

NM_001363711.2(DUOX2):c.346G>A (p.Val116Met)

Gene: DUOX2 (dual oxidase 2; minus strand). Cytogenetic location: 15q21.1.
Variant type: single nucleotide variant.
Coding change: c.346G>A on transcript NM_001363711.2 (MANE Select); coding-DNA position 346, G replaced by A.
Protein change: p.Val116Met; replaces valine 116 with methionine.
Molecular consequence: missense variant.
Genome position (GRCh38, 1-based): chr15:45,111,935, C>T on the plus strand (G>A on the coding strand, the complement: DUOX2 is on the minus strand). VCF-style: chr15-45111935-C-T. GRCh37 (hg19) VCF-style: chr15-45404133-C-T.
Other names: c.346G>A, p.Val116Met (NM_014080.5); short protein forms V116M.
Identifiers: ClinVar variation 2905687 (VCV002905687.1), dbSNP rs781680371, ClinGen allele CA392279501.